The following is an entry in ClinVar:

ClinVar aggregate classification (germline): Uncertain significance (1 of 4 stars; one submission).

Conditions:
Gastrointestinal stromal tumor. Also called: Gastrointestinal stromal tumor, somatic; Gastrointestinal stroma tumor. Identifiers: Orphanet 44890, MedGen C0238198, MeSH D046152, MONDO:0011719, OMIM 606764, HP:0100723.
Pheochromocytoma/paraganglioma syndrome 3. Also called: SDHC-Related Hereditary Paraganglioma-Pheochromocytoma Syndrome (Paragangliomas 3); SDHC-Related Hereditary Paraganglioma-Pheochromocytoma Syndrome; Paragangliomas 3; GLOMUS TUMORS, FAMILIAL, 3. Identifiers: Orphanet 29072, MedGen C1854336, MONDO:0011544, OMIM 605373.

Submission:

Labcorp Genetics (formerly Invitae), Labcorp
Classification: Uncertain significance for Pheochromocytoma/paraganglioma syndrome 3; Gastrointestinal stromal tumor. Last evaluated: 2019-11-20. Review status: criteria provided, single submitter. Criteria: Invitae Variant Classification Sherloc (09022015). Collection method: clinical testing. Allele origin: germline.
Comment: This sequence change replaces serine with alanine at codon 83 of the SDHC protein (p.Ser83Ala). The serine residue is moderately conserved and there is a moderate physicochemical difference between serine and alanine. This variant is not present in population databases (ExAC no frequency). This variant has not been reported in the literature in individuals with SDHC-related disease. Algorithms developed to predict the effect of missense changes on protein structure and function are either unavailable or do not agree on the potential impact of this missense change (SIFT: "Tolerated"; PolyPhen-2: "Possibly Damaging"; Align-GVGD: "Class C0"). In summary, the available evidence is currently insufficient to determine the role of this variant in disease. Therefore, it has been classified as a Variant of Uncertain Significance.

NM_003001.5(SDHC):c.247T>G (p.Ser83Ala)

Gene: SDHC (succinate dehydrogenase complex subunit C; plus strand). Cytogenetic location: 1q23.3.
Variant type: single nucleotide variant.
Coding change: c.247T>G on transcript NM_003001.5 (MANE Select); coding-DNA position 247, T replaced by G.
Protein change: p.Ser83Ala; replaces serine 83 with alanine.
Molecular consequence: missense variant. On other transcripts: non-coding transcript variant (1), intron variant (3).
Genome position (GRCh38, 1-based): chr1:161,356,682, T>G. VCF-style: chr1-161356682-T-G. GRCh37 (hg19) VCF-style: chr1-161326472-T-G.
Other names: c.145T>G, p.Ser49Ala (NM_001035512.3); c.88T>G, p.Ser30Ala (NM_001035513.3); c.367T>G, p.Ser123Ala (NM_001407115.1); c.190T>G, p.Ser64Ala (NM_001407116.1); c.184T>G, p.Ser62Ala (NM_001407117.1); c.139T>G, p.Ser47Ala (NM_001407118.1); c.136T>G, p.Ser46Ala (NM_001407119.1, NM_001407120.1); c.242-5647T>G (NM_001035511.3); and 2 more; short protein forms S30A, S83A, S49A, S123A, S47A, S64A, S46A, S62A.
Identifiers: ClinVar variation 641843 (VCV000641843.9), dbSNP rs1558182753, ClinGen allele CA343456225.
Genomic context (GRCh38, chr1:161,356,682, plus strand): 5'-CATATTAGTTGTAACTTATGAGCAGCTGTGACAAGCTACTTGGTTTTCTCCTCAGGGGTC[T>G]CTCTTTTTGGCATGTCGGCCCTGTTACTCCCTGGGAACTTTGAGTCTTATTTGGAACTTG-3'
Protein context (NP_002992.1, residues 73-93): GTGIALSAGV[Ser83Ala]LFGMSALLLP